The following is an entry in ClinVar:

ClinVar aggregate classification (germline): Benign/Likely benign. Review status: criteria provided, multiple submitters, no conflicts (2 of 4 stars). 9 submissions from 9 submitters: Benign (8); Likely benign (1). Last evaluated 2026-02-04.

Conditions:
Familial hemophagocytic lymphohistiocytosis 5. Also called: STXBP2-Related Familial Hemophagocytic Lymphohistiocytosis (STXBP2-fHLH). Identifiers: Orphanet 540, MedGen C2751293, MONDO:0013135, OMIM 613101.

Allele frequency attached by ClinVar (database versions not stated): gnomAD exomes 0.39159 and 0.40008; ExAC 0.40437; TOPMed 0.42540; ESP Exome Variant Server 0.42657; gnomAD 0.42983 and 0.43110; 1000 Genomes Project 30x 0.47720; 1000 Genomes Project 0.48243.
gnomAD v4.1: 638,025 of 1,613,500 alleles (40%); highest among the groups gnomAD compares: East Asian, 69%; 129,930 homozygotes.

Submissions (9):

Labcorp Genetics (formerly Invitae), Labcorp
Classification: Benign for Familial hemophagocytic lymphohistiocytosis 5. Last evaluated: 2026-02-04. Review status: criteria provided, single submitter. Criteria: Invitae Variant Classification Sherloc (09022015). Collection method: clinical testing. Allele origin: germline.

Blueprint Genetics
Classification: Likely benign. Last evaluated: 2024-11-28. Review status: criteria provided, single submitter. Criteria: ACMG Guidelines, 2015. Collection method: clinical testing. Allele origin: germline.

Unidad de Genómica Garrahan, Hospital de Pediatría Garrahan
Classification: Benign. Last evaluated: 2023-11-12. Review status: criteria provided, single submitter. Criteria: ACMG Guidelines, 2015. Collection method: clinical testing. Allele origin: germline. Affected: no. Observed: 49 variant alleles.
Comment: This variant is classified as Benign based on local population frequency. This variant was detected in 51% of patients studied by a panel of primary immunodeficiencies. Number of patients: 49. Only high quality variants are reported.

Mayo Clinic Laboratories, Mayo Clinic
Classification: Benign. Last evaluated: 2022-09-29. Review status: criteria provided, single submitter. Criteria: ACMG Guidelines, 2015. Collection method: clinical testing. Allele origin: germline. Observed: 982 variant alleles.

Genome-Nilou Lab
Classification: Benign for Familial hemophagocytic lymphohistiocytosis 5. Last evaluated: 2021-07-15. Review status: criteria provided, single submitter. Criteria: ACMG Guidelines, 2015. Collection method: clinical testing. Allele origin: germline. Affected: no.

GeneDx
Classification: Benign. Last evaluated: 2018-11-12. Review status: criteria provided, single submitter. Criteria: GeneDx Variant Classification Process June 2021. Collection method: clinical testing. Allele origin: germline. Affected: yes.

Laboratory for Molecular Medicine, Mass General Brigham Personalized Medicine
Classification: Benign. Last evaluated: 2016-03-29. Review status: criteria provided, single submitter. Criteria: LMM Criteria. Collection method: clinical testing. Allele origin: germline.
Comment: Variant identified in a genome or exome case(s) and assessed due to predicted null impact of the variant or pathogenic assertions in the literature or databases. Disclaimer: This variant has not undergone full assessment. The following are preliminary notes: Frequency

Breakthrough Genomics
Classification: Benign. Review status: criteria provided, single submitter. Criteria: ACMG Guidelines, 2015. Collection method: not provided. Allele origin: germline. Inheritance: Autosomal recessive inheritance. Affected: yes.

PreventionGenetics, part of Exact Sciences
Classification: Benign. Review status: criteria provided, single submitter. Criteria: ACMG Guidelines, 2015. Collection method: clinical testing. Allele origin: germline.

NM_006949.4(STXBP2):c.38-7C>T

Gene: STXBP2 (syntaxin binding protein 2; plus strand). Cytogenetic location: 19p13.2.
Variant type: single nucleotide variant.
Coding change: c.38-7C>T on transcript NM_006949.4 (MANE Select); 7 bases into the intron before coding-DNA position 38, C replaced by T.
Molecular consequence: intron variant.
Genome position (GRCh38, 1-based): chr19:7,638,719, C>T. VCF-style: chr19-7638719-C-T. GRCh37 (hg19) VCF-style: chr19-7703605-C-T.
Other names: p.?; c.38-7C>T (NM_001272034.2, NM_001127396.3).
Identifiers: ClinVar variation 260104 (VCV000260104.27), dbSNP rs8104339, ClinGen allele CA9143106.